The following is an entry in ClinVar:

ClinVar aggregate classification (germline): Pathogenic (1 of 4 stars; one submission).

Conditions:
Familial cancer of breast. Also called: Hereditary breast cancer; BREAST CANCER, FAMILIAL; hereditary breast carcinoma. Identifiers: Orphanet 227535, MedGen C0346153, MONDO:0016419, OMIM 114480. Disease mechanism: loss of function.

Submission:

Myriad Genetics, Inc.
Classification: Pathogenic for Familial cancer of breast. Last evaluated: 2023-09-12. Review status: criteria provided, single submitter. Criteria: Myriad Autosomal Dominant, Autosomal Recessive and X-Linked Classification Criteria (2023). Collection method: clinical testing. Allele origin: unknown.
Comment: This variant is considered pathogenic. This variant creates a frameshift predicted to result in premature protein truncation.

NM_024675.4(PALB2):c.2261del (p.Thr754fs)

Gene: PALB2 (partner and localizer of BRCA2; minus strand). Cytogenetic location: 16p12.2.
Variant type: Deletion.
Coding change: c.2261del on transcript NM_024675.4 (MANE Select); coding-DNA position 2261, one base deleted (C; older notation c.2261delC).
Protein change: p.Thr754fs; shifts the reading frame from threonine 754.
Molecular consequence: frameshift variant. On other transcripts: intron variant (1).
Genome position (GRCh38, 1-based): chr16:23,629,893, G deleted on the plus strand (C on the coding strand, the reverse complement: PALB2 is on the minus strand). VCF-style (leftmost placement, unchanged base first): chr16-23629892-AG-A. GRCh37 (hg19) VCF-style: chr16-23641213-AG-A.
Other names: c.2201del, p.Thr734fs (NM_001407296.1); c.2261del, p.Thr754fs (NM_001407297.1, NM_001407298.1, NM_001407299.1 and 3 more transcripts); c.1376del, p.Thr459fs (NM_001407304.1, NM_001407305.1, NM_001407306.1 and 5 more transcripts); c.473del, p.Thr158fs (NM_001407312.1, NM_001407313.1); c.49-618del (NM_001407314.1); short protein forms T158fs, T459fs, T734fs, T754fs.
Identifiers: ClinVar variation 2674138 (VCV002674138.1), dbSNP rs2506414771, ClinGen allele CA2695197485.
Genomic context (GRCh38, chr16:23,629,892, plus strand): 5'-TTTAGTATCACTGGCAAGACAGACTGAGTCTTTCAAATGAGCAAGTTGGGGTGTGCAGCA[AG>A]TTCGTCCAGCAACTTCTGTAGATGCTTTTTCATAGGAGCCTTGAGGGCCAAAGGCTGGAG-3'